The following is an entry in ClinVar:

ClinVar aggregate classification (germline): Pathogenic (1 of 4 stars; one submission).

Submission:

Labcorp Genetics (formerly Invitae), Labcorp
Classification: Pathogenic. Last evaluated: 2023-09-28. Review status: criteria provided, single submitter. Criteria: Invitae Variant Classification Sherloc (09022015). Collection method: clinical testing. Allele origin: germline.
Comment: For these reasons, this variant has been classified as Pathogenic. This premature translational stop signal has been observed in individual(s) with progressive pseudorheumatoid dysplasia (PMID: 22791401). This variant is not present in population databases (gnomAD no frequency). This sequence change creates a premature translational stop signal (p.Pro62Leufs*4) in the WISP3 gene. It is expected to result in an absent or disrupted protein product. Loss-of-function variants in WISP3 are known to be pathogenic (PMID: 22791401).

Literature cited by the submitters: PubMed 22791401.

NM_198239.2(CCN6):c.185del (p.Pro62fs)

Gene: CCN6 (cellular communication network factor 6; plus strand). Cytogenetic location: 6q21.
Variant type: Deletion.
Coding change: c.185del on transcript NM_198239.2 (MANE Select); coding-DNA position 185, one base deleted (C; older notation c.185delC).
Protein change: p.Pro62fs; shifts the reading frame from proline 62.
Molecular consequence: frameshift variant. On other transcripts: non-coding transcript variant (2).
Genome position (GRCh38, 1-based): chr6:112,061,127, C deleted; the last of 3 consecutive C bases (chr6:112,061,125-112,061,127); deleting any one gives the same sequence. VCF-style (leftmost placement, unchanged base first): chr6-112061124-GC-G. GRCh37 (hg19) VCF-style: chr6-112382327-GC-G.
Other names: c.185del, p.Pro62fs (NM_003880.4); short protein forms P62fs.
Identifiers: ClinVar variation 2734927 (VCV002734927.3), dbSNP rs2546919941, ClinGen allele CA2578717961.